The following is an entry in ClinVar:

NM_006031.6(PCNT):c.2410dup (p.Ala804fs)

Gene: PCNT (pericentrin; plus strand). Cytogenetic location: 21q22.3.
Variant type: Duplication.
Coding change: c.2410dup on transcript NM_006031.6 (MANE Select); coding-DNA position 2410, one base duplicated (G; older notation c.2410dupG).
Protein change: p.Ala804fs; shifts the reading frame from alanine 804.
Molecular consequence: frameshift variant.
Genome position (GRCh38, 1-based): chr21:46,363,735, G duplicated; the last of 2 consecutive G bases (chr21:46,363,734-46,363,735); duplicating either gives the same sequence. VCF-style (leftmost placement, unchanged base first): chr21-46363733-A-AG. GRCh37 (hg19) VCF-style: chr21-47783648-A-AG.
Other names: c.2056dup, p.Ala686fs (NM_001315529.2); short protein forms A804fs, A686fs.
Identifiers: ClinVar variation 2750842 (VCV002750842.3), dbSNP rs2518223988, ClinGen allele CA2697547659.

ClinVar aggregate classification (germline): Pathogenic (1 of 4 stars; one submission).

Submission:

Labcorp Genetics (formerly Invitae), Labcorp
Classification: Pathogenic. Last evaluated: 2023-08-07. Review status: criteria provided, single submitter. Criteria: Invitae Variant Classification Sherloc (09022015). Collection method: clinical testing. Allele origin: germline.
Comment: This sequence change creates a premature translational stop signal (p.Ala804Glyfs*73) in the PCNT gene. It is expected to result in an absent or disrupted protein product. Loss-of-function variants in PCNT are known to be pathogenic (PMID: 18174396, 22821869). This variant is not present in population databases (gnomAD no frequency). This variant has not been reported in the literature in individuals affected with PCNT-related conditions. For these reasons, this variant has been classified as Pathogenic.

Literature cited by the submitters: PubMed 18174396; PubMed 22821869.